The following is an entry in ClinVar:

NM_003049.4(SLC10A1):c.959T>C (p.Ile320Thr)

Gene: SLC10A1 (solute carrier family 10 member 1; minus strand). Cytogenetic location: 14q24.1.
Variant type: single nucleotide variant.
Coding change: c.959T>C on transcript NM_003049.4 (MANE Select); coding-DNA position 959, T replaced by C.
Protein change: p.Ile320Thr; replaces isoleucine 320 with threonine.
Molecular consequence: missense variant.
Genome position (GRCh38, 1-based): chr14:69,776,373, A>G on the plus strand (T>C on the coding strand, the complement: SLC10A1 is on the minus strand). VCF-style: chr14-69776373-A-G. GRCh37 (hg19) VCF-style: chr14-70243090-A-G.
Other names: short protein forms I320T.
Identifiers: ClinVar variation 4997979 (VCV004997979.1).
Genomic context (GRCh38, chr14:69,776,373, plus strand): 5'-TTGTAGGTGCCATTTCCCAGAGCTCCTGGAATTGTTTCTTCAGTTGTGGCAGCTGTGTAG[A>G]TCATTTTTGTTTTATCTGTAAAGTTAAAAAGGGTTACAGGTGTAGAGAGAGAACAAGAGG-3'
Protein context (NP_003040.1, residues 310-330): FKTPKDKTKM[Ile320Thr]YTAATTEETI

ClinVar aggregate classification (germline): Uncertain significance (1 of 4 stars; one submission).

Conditions:
SLC10A1-related disorder. Also called: SLC10A1-related condition.

gnomAD v4.1: 3 of 1,613,788 alleles (0.00019%); highest among the groups gnomAD compares: South Asian, 0.0011%; no homozygotes.

Submission:

PreventionGenetics, part of Exact Sciences
Classification: Uncertain significance for SLC10A1-related condition. Last evaluated: 2025-07-15. Review status: criteria provided, single submitter. Criteria: ACMG Guidelines, 2015. Collection method: clinical testing. Allele origin: germline.
Comment: The SLC10A1 c.959T>C variant is predicted to result in the amino acid substitution p.Ile320Thr. To our knowledge, this variant has not been reported in the literature. This variant is reported in 0.0065% of alleles in individuals of European (Non-Finnish) descent in gnomAD. At this time, the clinical significance of this variant is uncertain due to the absence of conclusive functional and genetic evidence.